The following is an entry in ClinVar:

ClinVar aggregate classification (germline): Pathogenic. Review status: criteria provided, multiple submitters, no conflicts (2 of 4 stars). 2 submissions from 2 submitters: Pathogenic (2). Last evaluated 2026-05-15.

Conditions:
Hereditary cancer-predisposing syndrome. Also called: Neoplastic Syndromes, Hereditary; Tumor predisposition; Hereditary Cancer Syndrome; Hereditary neoplastic syndrome. Identifiers: Orphanet 140162, MedGen C0027672, MeSH D009386, MONDO:0015356.
Hereditary breast ovarian cancer syndrome. Also called: Hereditary breast and ovarian cancer; Hereditary breast and/or ovarian cancer syndrome; BRCA1- and BRCA2-Associated Hereditary Breast and Ovarian Cancer; Hereditary breast and ovarian cancer syndrome (HBOC); Hereditary breast and ovarian cancer syndrome; Breast and ovarian cancer. Identifiers: Orphanet 145, MedGen C0677776, MeSH D061325, MONDO:0003582. Disease mechanism: loss of function.

Submissions (2):

Ambry Genetics
Classification: Pathogenic for Hereditary cancer-predisposing syndrome. Last evaluated: 2026-05-15. Review status: criteria provided, single submitter. Criteria: Ambry Variant Classification Scheme 2023. Collection method: clinical testing. Allele origin: germline.
Comment: The c.9117+2T>G intronic pathogenic variant results from a T to G substitution two nucleotides after coding exon 22 in the BRCA2 gene. Two saturation genome editing-based studies, including a haploid cell-survival assay and a humanized mouse embryonic stem cell line assay of drug response and survival, demonstrate that this nucleotide substitution is non-functional (Huang H et al. Nature. 2025 Feb;638(8050):528-537; Sahu S et al. Nature. 2025 Feb;638(8050):538-545). This nucleotide position is highly conserved in available vertebrate species. In silico splice site analysis predicts that this alteration will weaken the native splice donor site. RNA studies have demonstrated that this variant results in abnormal splicing in the set of samples tested (Ambry internal data). This variant is considered to be rare based on population cohorts in the Genome Aggregation Database (gnomAD). Based on the supporting evidence, this variant is interpreted as a disease-causing mutation.

Labcorp Genetics (formerly Invitae), Labcorp
Classification: Pathogenic for Hereditary breast ovarian cancer syndrome. Last evaluated: 2026-01-13. Review status: criteria provided, single submitter. Criteria: Invitae Variant Classification Sherloc (09022015). Collection method: clinical testing. Allele origin: germline.
Comment: This sequence change affects a donor splice site in intron 23 of the BRCA2 gene. It is expected to disrupt RNA splicing. Variants that disrupt the donor or acceptor splice site typically lead to a loss of protein function (PMID: 16199547), and loss-of-function variants in BRCA2 are known to be pathogenic (PMID: 20104584). This variant is not present in population databases (gnomAD no frequency). Disruption of this splice site has been observed in individual(s) with breast and/or ovarian cancer (PMID: 29446198, 32318955). ClinVar contains an entry for this variant (Variation ID: 1929442). Studies have shown that disruption of this splice site alters mRNA splicing and is expected to lead to the loss of protein expression (PMID: 22632462). For these reasons, this variant has been classified as Pathogenic.

Literature cited by the submitters: PubMed 16199547 (cited by Labcorp Genetics (formerly Invitae), Labcorp); PubMed 20104584 (cited by Labcorp Genetics (formerly Invitae), Labcorp); PubMed 29446198 (cited by Labcorp Genetics (formerly Invitae), Labcorp); PubMed 32318955 (cited by Labcorp Genetics (formerly Invitae), Labcorp); PubMed 22632462 (cited by Labcorp Genetics (formerly Invitae), Labcorp).

NM_000059.4(BRCA2):c.9117+2T>G

Gene: BRCA2 (BRCA2 DNA repair associated; plus strand). Cytogenetic location: 13q13.1.
Variant type: single nucleotide variant.
Coding change: c.9117+2T>G on transcript NM_000059.4 (MANE Select); the canonical splice donor site of the intron after coding-DNA position 9117, T replaced by G.
Molecular consequence: splice donor variant.
Genome position (GRCh38, 1-based): chr13:32,379,915, T>G. VCF-style: chr13-32379915-T-G. GRCh37 (hg19) VCF-style: chr13-32954052-T-G.
Other names: c.9117+2T>G (NM_000059.3); c.9066+2T>G (NM_001406720.1); c.9021+2T>G (NM_001406719.1); c.4185+2T>G (NM_001406721.1); c.2700+2T>G (NM_001406722.1).
Identifiers: ClinVar variation 1929442 (VCV001929442.6), dbSNP rs397508038, ClinGen allele CA387757757.
Genomic context (GRCh38, chr13:32,379,915, plus strand): 5'-CTGAAAGAGCTAACATACAGTTAGCAGCGACAAAAAAAACTCAGTATCAACAACTACCGG[T>G]ACAAACCTTTCATTGTAATTTTTCAGTTTTGATAAGTGCTTGTTAGTTTATGGAATCTCC-3'